The following is an entry in ClinVar:

NM_001111.5(ADAR):c.3341C>G (p.Ser1114Cys)

Gene: ADAR (adenosine deaminase RNA specific; minus strand). Cytogenetic location: 1q21.3.
Variant type: single nucleotide variant.
Coding change: c.3341C>G on transcript NM_001111.5 (MANE Select); coding-DNA position 3341, C replaced by G.
Protein change: p.Ser1114Cys; replaces serine 1114 with cysteine.
Molecular consequence: missense variant.
Genome position (GRCh38, 1-based): chr1:154,585,319, G>C on the plus strand (C>G on the coding strand, the complement: ADAR is on the minus strand). VCF-style: chr1-154585319-G-C. GRCh37 (hg19) VCF-style: chr1-154557795-G-C.
Other names: c.2456C>G, p.Ser819Cys (NM_001025107.3, NM_001193495.2, NM_001365046.1 and 2 more transcripts); c.3368C>G, p.Ser1123Cys (NM_001365045.1); c.2378C>G, p.Ser793Cys (NM_001365049.1); c.3263C>G, p.Ser1088Cys (NM_015840.4); c.3206C>G, p.Ser1069Cys (NM_015841.4); short protein forms S1123C, S793C, S819C, S1069C, S1114C, S1088C.
Identifiers: ClinVar variation 4568741 (VCV004568741.2).
Genomic context (GRCh38, chr1:154,585,319, plus strand): 5'-TAGCCATCAGCCAGACACCAGTTGACGCTTGTCTCCTTAGTCTTCCCGGATTGCCTTTTG[G>C]AATCATATATGCTGACTCTGCCAACCTAGGAATCCCAGAAGCAACGGGAGAAAGATGGAA-3'
Protein context (NP_001102.3, residues 1104-1124): PKVGRVSIYD[Ser1114Cys]KRQSGKTKET

ClinVar aggregate classification (germline): Uncertain significance. Review status: criteria provided, multiple submitters, no conflicts (2 of 4 stars). 2 submissions from 2 submitters: Uncertain significance (2). Last evaluated 2025-09-27.

Conditions:
Symmetrical dyschromatosis of extremities (DSH). Also called: DYSCHROMATOSIS SYMMETRICA HEREDITARIA 1; RETICULATE ACROPIGMENTATION OF DOHI; SYMMETRIC DYSCHROMATOSIS OF THE EXTREMITIES; Dyschromatosis symmetrica hereditaria. Identifiers: Orphanet 41, MedGen C0406775, MONDO:0007483, OMIM 127400.
Aicardi-Goutieres syndrome 6 (AGS6). Identifiers: Orphanet 51, MedGen C3539013, MONDO:0014007, OMIM 615010.
Inborn genetic diseases. Identifiers: MedGen C0950123, MeSH D030342.

Submissions (2):

Ambry Genetics
Classification: Uncertain significance for Inborn genetic diseases. Last evaluated: 2025-09-27. Review status: criteria provided, single submitter. Criteria: Ambry Variant Classification Scheme 2023. Collection method: clinical testing. Allele origin: germline.

Labcorp Genetics (formerly Invitae), Labcorp
Classification: Uncertain significance for Aicardi-Goutieres syndrome 6; Symmetrical dyschromatosis of extremities. Last evaluated: 2025-08-18. Review status: criteria provided, single submitter. Criteria: Invitae Variant Classification Sherloc (09022015). Collection method: clinical testing. Allele origin: germline.
Comment: This sequence change replaces serine, which is neutral and polar, with cysteine, which is neutral and slightly polar, at codon 1114 of the ADAR protein (p.Ser1114Cys). This variant is not present in population databases (gnomAD no frequency). This variant has not been reported in the literature in individuals affected with ADAR-related conditions. Invitae Evidence Modeling of protein sequence and biophysical properties (such as structural, functional, and spatial information, amino acid conservation, physicochemical variation, residue mobility, and thermodynamic stability) indicates that this missense variant is expected to disrupt ADAR protein function with a positive predictive value of 80%. In summary, the available evidence is currently insufficient to determine the role of this variant in disease. Therefore, it has been classified as a Variant of Uncertain Significance.